The following is an entry in ClinVar:

ClinVar aggregate classification (germline): Likely benign. Review status: criteria provided, multiple submitters, no conflicts (2 of 4 stars). 2 submissions from 2 submitters: Likely benign (2). Last evaluated 2018-06-16.

Allele frequency attached by ClinVar (database versions not stated): 1000 Genomes Project 30x 0.00562; 1000 Genomes Project 0.00599; gnomAD 0.01397 and 0.01367; gnomAD exomes 0.01584; TOPMed 0.01029.

Submissions (2):

GeneDx
Classification: Likely benign. Last evaluated: 2018-06-16. Review status: criteria provided, single submitter. Criteria: GeneDx Variant Classification (06012015). Collection method: clinical testing. Allele origin: germline. Affected: yes.
Comment: This variant is considered likely benign or benign based on one or more of the following criteria: it is a conservative change, it occurs at a poorly conserved position in the protein, it is predicted to be benign by multiple in silico algorithms, and/or has population frequency not consistent with disease.

Breakthrough Genomics
Classification: Likely benign. Review status: criteria provided, single submitter. Criteria: ACMG Guidelines, 2015. Collection method: not provided. Allele origin: germline. Inheritance: Autosomal dominant inheritance. Affected: yes.

NM_017636.4(TRPM4):c.1150+91C>T

Gene: TRPM4 (transient receptor potential cation channel subfamily M member 4; plus strand). Cytogenetic location: 19q13.33.
Variant type: single nucleotide variant.
Coding change: c.1150+91C>T on transcript NM_017636.4 (MANE Select); 91 bases into the intron after coding-DNA position 1150, C replaced by T.
Molecular consequence: intron variant.
Genome position (GRCh38, 1-based): chr19:49,172,199, C>T. VCF-style: chr19-49172199-C-T. GRCh37 (hg19) VCF-style: chr19-49675456-C-T.
Other names: c.1150+91C>T (NM_001195227.2); c.-404+91C>T (NM_001321282.2); c.805+91C>T (NM_001321281.2); c.628+91C>T (NM_001321283.2); c.201+430C>T (NM_001321285.2).
Identifiers: ClinVar variation 676375 (VCV000676375.2), dbSNP rs74599428, ClinGen allele CA309434017.